The following is an entry in ClinVar:

ClinVar aggregate classification (germline): Uncertain significance (1 of 4 stars; one submission).

Conditions:
Familial temporal lobe epilepsy 7. Identifiers: Orphanet 101046, MedGen C4225327, MONDO:0014639, OMIM 616436.
Norman-Roberts syndrome (LIS2). Also called: Lissencephaly 2 (Norman-Roberts type). Identifiers: Orphanet 89844, MedGen C0796089, MONDO:0009760, OMIM 257320.

Submission:

Labcorp Genetics (formerly Invitae), Labcorp
Classification: Uncertain significance for Familial temporal lobe epilepsy 7; Norman-Roberts syndrome. Last evaluated: 2021-04-08. Review status: criteria provided, single submitter. Criteria: Invitae Variant Classification Sherloc (09022015). Collection method: clinical testing. Allele origin: germline.
Comment: In summary, the available evidence is currently insufficient to determine the role of this variant in disease. Therefore, it has been classified as a Variant of Uncertain Significance. Algorithms developed to predict the effect of sequence changes on RNA splicing suggest that this variant may create or strengthen a splice site, but this prediction has not been confirmed by published transcriptional studies. Algorithms developed to predict the effect of missense changes on protein structure and function (SIFT, PolyPhen-2, Align-GVGD) all suggest that this variant is likely to be tolerated, but these predictions have not been confirmed by published functional studies and their clinical significance is uncertain. This variant has not been reported in the literature in individuals with RELN-related conditions. This variant is not present in population databases (ExAC no frequency). This sequence change replaces serine with glycine at codon 2913 of the RELN protein (p.Ser2913Gly). The serine residue is moderately conserved and there is a small physicochemical difference between serine and glycine.

NM_005045.4(RELN):c.8737A>G (p.Ser2913Gly)

Genes: RELN (reelin; minus strand), SLC26A5-AS1 (SLC26A5 antisense RNA 1; plus strand). Cytogenetic location: 7q22.1.
Variant type: single nucleotide variant.
Coding change: c.8737A>G on transcript NM_005045.4 (MANE Select); coding-DNA position 8737, A replaced by G.
Protein change: p.Ser2913Gly; replaces serine 2913 with glycine.
Molecular consequence: missense variant.
Genome position (GRCh38, 1-based): chr7:103,498,183, T>C on the plus strand (A>G on the coding strand, the complement: RELN is on the minus strand). VCF-style: chr7-103498183-T-C. GRCh37 (hg19) VCF-style: chr7-103138630-T-C.
Other names: c.8737A>G, p.Ser2913Gly (NM_173054.3); short protein forms S2913G.
Identifiers: ClinVar variation 1523988 (VCV001523988.8), dbSNP rs2117025482, ClinGen allele CA368753480.